The following is an entry in ClinVar:

NM_001378778.1(MPDZ):c.242G>C (p.Ser81Thr)

Gene: MPDZ (multiple PDZ domain crumbs cell polarity complex component; minus strand). Cytogenetic location: 9p23.
Variant type: single nucleotide variant.
Coding change: c.242G>C on transcript NM_001378778.1 (MANE Select); coding-DNA position 242, G replaced by C.
Protein change: p.Ser81Thr; replaces serine 81 with threonine.
Molecular consequence: missense variant.
Genome position (GRCh38, 1-based): chr9:13,224,525, C>G on the plus strand (G>C on the coding strand, the complement: MPDZ is on the minus strand). VCF-style: chr9-13224525-C-G. GRCh37 (hg19) VCF-style: chr9-13224524-C-G.
Other names: c.242G>C, p.Ser81Thr (NM_001375422.1, NM_001375423.1, NM_001375424.1 and 14 more transcripts); short protein forms S81T.
Identifiers: ClinVar variation 1484561 (VCV001484561.8), dbSNP rs2136393720, ClinGen allele CA372948286.
Genomic context (GRCh38, chr9:13,224,525, plus strand): 5'-TTCCCATTGTTTGGGGATAATAAAAACGATTCATTTTGCAGAGTAGGAATCACAGCTGGG[C>G]TGAGATGAGGAACGTGGGCATATTCAATATTTGAAGTTGCTGAAGTTGCAATATTTACCT-3'
Protein context (NP_001365707.1, residues 71-91): NIEYAHVPHL[Ser81Thr]PAVIPTLQNE

ClinVar aggregate classification (germline): Uncertain significance (1 of 4 stars; one submission).

Submission:

Labcorp Genetics (formerly Invitae), Labcorp
Classification: Uncertain significance. Last evaluated: 2020-12-14. Review status: criteria provided, single submitter. Criteria: Invitae Variant Classification Sherloc (09022015). Collection method: clinical testing. Allele origin: germline.
Comment: This variant has not been reported in the literature in individuals with MPDZ-related conditions. This variant is not present in population databases (ExAC no frequency). This sequence change replaces serine with threonine at codon 81 of the MPDZ protein (p.Ser81Thr). The serine residue is highly conserved and there is a small physicochemical difference between serine and threonine. Algorithms developed to predict the effect of missense changes on protein structure and function (SIFT, PolyPhen-2, Align-GVGD) all suggest that this variant is likely to be tolerated, but these predictions have not been confirmed by published functional studies and their clinical significance is uncertain. In summary, the available evidence is currently insufficient to determine the role of this variant in disease. Therefore, it has been classified as a Variant of Uncertain Significance.